The following is an entry in ClinVar:

NM_201253.3(CRB1):c.799_800delinsA (p.Ala267fs)

Gene: CRB1 (crumbs cell polarity complex component 1; plus strand). Cytogenetic location: 1q31.3.
Variant type: Indel.
Coding change: c.799_800delinsA on transcript NM_201253.3 (MANE Select); coding-DNA positions 799 to 800, GC replaced by A.
Protein change: p.Ala267fs; shifts the reading frame from alanine 267.
Molecular consequence: frameshift variant. On other transcripts: non-coding transcript variant (2), intron variant (1).
Genome position (GRCh38, 1-based): chr1:197,344,427-197,344,428, GC replaced by A. VCF-style: chr1-197344427-GC-A. GRCh37 (hg19) VCF-style: chr1-197313557-GC-A.
Other names: c.592_593delinsA, p.Ala198fs (NM_001257965.2); c.799_800delinsA, p.Ala267fs (NM_001257966.2); c.653-12404_653-12403delinsA (NM_001193640.2); short protein forms A267fs, A198fs.
Identifiers: ClinVar variation 287179 (VCV000287179.12), dbSNP rs886043587, ClinGen allele CA10605691.

ClinVar aggregate classification (germline): Pathogenic/Likely pathogenic. Review status: criteria provided, multiple submitters, no conflicts (2 of 4 stars). 5 submissions from 4 submitters: Pathogenic (4); Likely pathogenic (1). Last evaluated 2024-05-17.

Conditions:
Retinitis pigmentosa 12 (RP12). Also called: RP WITH OR WITHOUT PPRPE; RP WITH OR WITHOUT PRESERVED PARAARTERIOLE RETINAL PIGMENT EPITHELIUM; RETINITIS PIGMENTOSA WITH OR WITHOUT PARAARTERIOLAR PRESERVATION OF RETINAL PIGMENT EPITHELIUM. Identifiers: Orphanet 791, MedGen C1838647, MONDO:0010818, OMIM 600105.
Leber congenital amaurosis 8 (LCA8). Identifiers: Orphanet 65, MedGen C3151202, MONDO:0013453, OMIM 613835.
Leber congenital amaurosis (LCA). Also called: Leber's amaurosis. Identifiers: Orphanet 65, MedGen C0339527, MeSH D057130, MONDO:0018998.

Submissions (5):

Natera, Inc.
Classification: Likely pathogenic for Leber congenital amaurosis. Last evaluated: 2024-05-17. Review status: criteria provided, single submitter. Criteria: Natera Variant Classification Schema (03/2026). Collection method: clinical testing. Allele origin: germline.
Comment: The c.799_800delinsA variant in CRB1 is a frameshift variant predicted to shift the reading frame beginning at codon 267 and leads to a stop codon 35 codons downstream. This variant is expected to result in nonsense mediated decay, truncation, or a dysfunctional protein product. This variant is rare in the general population with a frequency below the threshold expected for the associated phenotype(s). Given the available evidence, this variant is classified as Likely Pathogenic.

Genome-Nilou Lab
Classification: Pathogenic for Leber congenital amaurosis 8. Last evaluated: 2023-04-11. Review status: criteria provided, single submitter. Criteria: ACMG Guidelines, 2015. Collection method: clinical testing. Allele origin: germline. Affected: no.

Genome-Nilou Lab
Classification: Pathogenic for Retinitis pigmentosa 12. Last evaluated: 2023-04-11. Review status: criteria provided, single submitter. Criteria: ACMG Guidelines, 2015. Collection method: clinical testing. Allele origin: germline. Affected: no.

Labcorp Genetics (formerly Invitae), Labcorp
Classification: Pathogenic for Leber congenital amaurosis 8; Retinitis pigmentosa 12. Last evaluated: 2019-04-10. Review status: criteria provided, single submitter. Criteria: Invitae Variant Classification Sherloc (09022015). Collection method: clinical testing. Allele origin: germline.
Comment: This sequence change creates a premature translational stop signal (p.Ala267Thrfs*35) in the CRB1 gene. It is expected to result in an absent or disrupted protein product. This variant is not present in population databases (ExAC no frequency). This variant has not been reported in the literature in individuals with CRB1-related conditions. ClinVar contains an entry for this variant (Variation ID: 287179). Loss-of-function variants in CRB1 are known to be pathogenic (PMID: 10508521, 22065545, 23379534, 25412400, 26957898, 28041643, 29391521). For these reasons, this variant has been classified as Pathogenic.

Eurofins Ntd Llc (ga)
Classification: Pathogenic. Last evaluated: 2016-04-27. Review status: criteria provided, single submitter. Criteria: EGL Classification Definitions 2015. Collection method: clinical testing. Allele origin: germline. Observed: 1 variant allele, 1 homozygote.

Literature cited by the submitters: PubMed 10508521 (cited by Labcorp Genetics (formerly Invitae), Labcorp); PubMed 22065545 (cited by Labcorp Genetics (formerly Invitae), Labcorp); PubMed 23379534 (cited by Labcorp Genetics (formerly Invitae), Labcorp); PubMed 25412400 (cited by Labcorp Genetics (formerly Invitae), Labcorp); PubMed 26957898 (cited by Labcorp Genetics (formerly Invitae), Labcorp); PubMed 28041643 (cited by Labcorp Genetics (formerly Invitae), Labcorp); PubMed 29391521 (cited by Labcorp Genetics (formerly Invitae), Labcorp).